The following is an entry in ClinVar:

ClinVar aggregate classification (germline): Uncertain significance. Review status: criteria provided, multiple submitters, no conflicts (2 of 4 stars). 3 submissions from 3 submitters: Uncertain significance (3). Last evaluated 2023-09-22.

Conditions:
Developmental and epileptic encephalopathy, 5 (DEE5). Identifiers: Orphanet 3451, MedGen C3150731, MONDO:0013277, OMIM 613477.
Early-infantile DEE. Also called: Early infantile epileptic encephalopathy; Early infantile epileptic encephalopathy with suppression bursts; Ohtahara syndrome. Identifiers: Orphanet 1934, MedGen C0393706, MONDO:0800491.

Allele frequency attached by ClinVar (database versions not stated): gnomAD 0.00001; TOPMed 0.00001.
gnomAD v4.1: 2 of 1,613,986 alleles (0.00012%); highest among the groups gnomAD compares: African/African-American, 0.0027%; no homozygotes.

Submissions (3):

Labcorp Genetics (formerly Invitae), Labcorp
Classification: Uncertain significance for Early-infantile DEE. Last evaluated: 2023-09-22. Review status: criteria provided, single submitter. Criteria: Invitae Variant Classification Sherloc (09022015). Collection method: clinical testing. Allele origin: germline.
Comment: In summary, the available evidence is currently insufficient to determine the role of this variant in disease. Therefore, it has been classified as a Variant of Uncertain Significance. Advanced modeling of protein sequence and biophysical properties (such as structural, functional, and spatial information, amino acid conservation, physicochemical variation, residue mobility, and thermodynamic stability) has been performed at Invitae for this missense variant, however the output from this modeling did not meet the statistical confidence thresholds required to predict the impact of this variant on SPTAN1 protein function. ClinVar contains an entry for this variant (Variation ID: 947247). This variant has not been reported in the literature in individuals affected with SPTAN1-related conditions. This variant is present in population databases (no rsID available, gnomAD 0.01%). This sequence change replaces tryptophan, which is neutral and slightly polar, with arginine, which is basic and polar, at codon 872 of the SPTAN1 protein (p.Trp872Arg).

Genome-Nilou Lab
Classification: Uncertain significance for Developmental and epileptic encephalopathy, 5. Last evaluated: 2021-07-15. Review status: criteria provided, single submitter. Criteria: ACMG Guidelines, 2015. Collection method: clinical testing. Allele origin: germline. Affected: no.

GeneDx
Classification: Uncertain significance. Last evaluated: 2019-04-16. Review status: criteria provided, single submitter. Criteria: GeneDx Variant Classification Process June 2021. Collection method: clinical testing. Allele origin: germline. Affected: yes.
Comment: In silico analysis, which includes protein predictors and evolutionary conservation, supports a deleterious effect; Has not been previously published as pathogenic or benign to our knowledge

NM_001130438.3(SPTAN1):c.2614T>C (p.Trp872Arg)

Gene: SPTAN1 (spectrin alpha, non-erythrocytic 1; plus strand). Cytogenetic location: 9q34.11.
Variant type: single nucleotide variant.
Coding change: c.2614T>C on transcript NM_001130438.3 (MANE Select); coding-DNA position 2614, T replaced by C.
Protein change: p.Trp872Arg; replaces tryptophan 872 with arginine.
Molecular consequence: missense variant.
Genome position (GRCh38, 1-based): chr9:128,585,801, T>C. VCF-style: chr9-128585801-T-C. GRCh37 (hg19) VCF-style: chr9-131348080-T-C.
Other names: c.2614T>C, p.Trp872Arg (NM_001195532.2, NM_001363759.2, NM_001363765.2 and 5 more transcripts); c.2650T>C, p.Trp884Arg (NM_001375312.2, NM_001375318.1); short protein forms W872R, W884R.
Identifiers: ClinVar variation 947247 (VCV000947247.14), dbSNP rs899998696, ClinGen allele CA200382393.